The following is an entry in ClinVar:

ClinVar aggregate classification (germline): Uncertain significance (1 of 4 stars; one submission).

gnomAD v4.1: 13 of 1,584,708 alleles (0.00082%); highest among the groups gnomAD compares: Non-Finnish European, 0.001%; no homozygotes.

Submission:

Labcorp Genetics (formerly Invitae), Labcorp
Classification: Uncertain significance. Last evaluated: 2025-05-08. Review status: criteria provided, single submitter. Criteria: Invitae Variant Classification Sherloc (09022015). Collection method: clinical testing. Allele origin: germline.
Comment: This sequence change replaces isoleucine, which is neutral and non-polar, with methionine, which is neutral and non-polar, at codon 182 of the SIRT1 protein (p.Ile182Met). This variant is present in population databases (no rsID available, gnomAD 0.0009%). This variant has not been reported in the literature in individuals affected with SIRT1-related conditions. An algorithm developed to predict the effect of missense changes on protein structure and function (PolyPhen-2) suggests that this variant is likely to be disruptive. In summary, the available evidence is currently insufficient to determine the role of this variant in disease. Therefore, it has been classified as a Variant of Uncertain Significance.

NM_012238.5(SIRT1):c.546A>G (p.Ile182Met)

Gene: SIRT1 (sirtuin 1; plus strand). Cytogenetic location: 10q21.3.
Variant type: single nucleotide variant.
Coding change: c.546A>G on transcript NM_012238.5 (MANE Select); coding-DNA position 546, A replaced by G.
Protein change: p.Ile182Met; replaces isoleucine 182 with methionine.
Molecular consequence: missense variant. On other transcripts: 5 prime UTR variant (2).
Genome position (GRCh38, 1-based): chr10:67,887,532, A>G. VCF-style: chr10-67887532-A-G. GRCh37 (hg19) VCF-style: chr10-69647290-A-G.
Other names: c.-98A>G (NM_001142498.2); c.-489A>G (NM_001314049.2); short protein forms I182M.
Identifiers: ClinVar variation 4752753 (VCV004752753.1).